The following is an entry in ClinVar:

ClinVar aggregate classification (germline): Uncertain significance (1 of 4 stars; one submission).

gnomAD v4.1: 1 of 1,550,306 alleles (0.000065%); highest among the groups gnomAD compares: Middle Eastern, 0.017%; no homozygotes.

Submission:

Labcorp Genetics (formerly Invitae), Labcorp
Classification: Uncertain significance. Last evaluated: 2024-11-27. Review status: criteria provided, single submitter. Criteria: Invitae Variant Classification Sherloc (09022015). Collection method: clinical testing. Allele origin: germline.
Comment: This sequence change replaces methionine, which is neutral and non-polar, with valine, which is neutral and non-polar, at codon 929 of the SUCO protein (p.Met929Val). This variant is not present in population databases (gnomAD no frequency). This variant has not been reported in the literature in individuals affected with SUCO-related conditions. An algorithm developed to predict the effect of missense changes on protein structure and function (PolyPhen-2) suggests that this variant is likely to be disruptive. In summary, the available evidence is currently insufficient to determine the role of this variant in disease. Therefore, it has been classified as a Variant of Uncertain Significance.

NM_014283.5(SUCO):c.2785A>G (p.Met929Val)

Gene: SUCO (SUN domain containing ossification factor; plus strand). Cytogenetic location: 1q24.3.
Variant type: single nucleotide variant.
Coding change: c.2785A>G on transcript NM_014283.5 (MANE Select); coding-DNA position 2785, A replaced by G.
Protein change: p.Met929Val; replaces methionine 929 with valine.
Molecular consequence: missense variant. On other transcripts: intron variant (1).
Genome position (GRCh38, 1-based): chr1:172,589,886, A>G. VCF-style: chr1-172589886-A-G. GRCh37 (hg19) VCF-style: chr1-172559026-A-G.
Other names: c.1096A>G, p.Met366Val (NM_001282751.2); c.3238A>G, p.Met1080Val (NM_016227.4); c.1712+962A>G (NM_001282750.2); short protein forms M1080V, M366V, M929V.
Identifiers: ClinVar variation 3663133 (VCV003663133.2).
Genomic context (GRCh38, chr1:172,589,886, plus strand): 5'-AACCAAAAGGAGTCAGTATTTATGAGACTTAATAATCGTATTAAAGCCTTAGAAGTTAAC[A>G]TGTCTCTCAGTGGTCGCTATCTGGAGGAGCTTAGCCAAAGGTAAGCTTTATTATGAATTA-3'
Protein context (NP_055098.1, residues 919-939): NNRIKALEVN[Met929Val]SLSGRYLEEL